The following is an entry in ClinVar:

NM_000135.4(FANCA):c.1571C>G (p.Ser524Cys)

Gene: FANCA (FA complementation group A; minus strand). Cytogenetic location: 16q24.3.
Variant type: single nucleotide variant.
Coding change: c.1571C>G on transcript NM_000135.4 (MANE Select); coding-DNA position 1571, C replaced by G.
Protein change: p.Ser524Cys; replaces serine 524 with cysteine.
Molecular consequence: missense variant.
Genome position (GRCh38, 1-based): chr16:89,782,914, G>C on the plus strand (C>G on the coding strand, the complement: FANCA is on the minus strand). VCF-style: chr16-89782914-G-C. GRCh37 (hg19) VCF-style: chr16-89849322-G-C.
Other names: c.1571C>G, p.Ser524Cys (NM_001286167.3); short protein forms S524C.
Identifiers: ClinVar variation 1031414 (VCV001031414.6), dbSNP rs753719658, ClinGen allele CA8252239.

ClinVar aggregate classification (germline): Uncertain significance. Review status: criteria provided, multiple submitters, no conflicts (2 of 4 stars). 3 submissions from 3 submitters: Uncertain significance (3). Last evaluated 2024-04-12.

Conditions:
Fanconi anemia (FA). Also called: Fanconi's anemia. Identifiers: Orphanet 84, MedGen C0015625, MeSH D005199, MONDO:0019391.
Fanconi anemia complementation group A (FANCA). Also called: Fanconi anemia, group A; FANCA-Related Fanconi Anemia. Identifiers: Orphanet 84, MedGen C3469521, MONDO:0009215, OMIM 227650.

Allele frequency attached by ClinVar (database versions not stated): TOPMed below 0.00001; ExAC 0.00005.
gnomAD v4.1: 19 of 1,614,072 alleles (0.0012%); highest among the groups gnomAD compares: Non-Finnish European, 0.0016%; no homozygotes.

Submissions (3):

Fulgent Genetics
Classification: Uncertain significance for Fanconi anemia complementation group A. Last evaluated: 2024-04-12. Review status: criteria provided, single submitter. Criteria: ACMG Guidelines, 2015. Collection method: clinical testing. Allele origin: germline.

Labcorp Genetics (formerly Invitae), Labcorp
Classification: Uncertain significance for Fanconi anemia. Last evaluated: 2023-12-05. Review status: criteria provided, single submitter. Criteria: Invitae Variant Classification Sherloc (09022015). Collection method: clinical testing. Allele origin: germline.
Comment: This sequence change replaces serine, which is neutral and polar, with cysteine, which is neutral and slightly polar, at codon 524 of the FANCA protein (p.Ser524Cys). This variant is present in population databases (rs753719658, gnomAD 0.005%). This variant has not been reported in the literature in individuals affected with FANCA-related conditions. ClinVar contains an entry for this variant (Variation ID: 1031414). Advanced modeling of protein sequence and biophysical properties (such as structural, functional, and spatial information, amino acid conservation, physicochemical variation, residue mobility, and thermodynamic stability) performed at Invitae indicates that this missense variant is expected to disrupt FANCA protein function with a positive predictive value of 80%. In summary, the available evidence is currently insufficient to determine the role of this variant in disease. Therefore, it has been classified as a Variant of Uncertain Significance.

Baylor Genetics
Classification: Uncertain significance for Fanconi anemia complementation group A. Last evaluated: 2018-08-22. Review status: criteria provided, single submitter. Criteria: ACMG Guidelines, 2015. Collection method: clinical testing. Allele origin: paternal. Affected: yes.
Comment: This variant was determined to be of uncertain significance according to ACMG Guidelines, 2015 [PMID:25741868].